The following is an entry in ClinVar:

ClinVar aggregate classification (germline): Conflicting classifications of pathogenicity. Review status: criteria provided, conflicting classifications (1 of 4 stars). 2 submissions from 2 submitters: Uncertain significance (1); Likely benign (1). Last evaluated 2022-09-14.

Conditions:
Cardiomyopathy (CMYO). Also called: Cardiomyopathies. Identifiers: Orphanet 167848, MedGen C0878544, MONDO:0004994, HP:0001638. Inheritance: Various modes of inheritance.

gnomAD v4.1: 1 of 1,582,380 alleles (0.000063%); no homozygotes.

Submissions (2):

Blueprint Genetics
Classification: Likely benign. Last evaluated: 2022-09-14. Review status: criteria provided, single submitter. Criteria: ACMG Guidelines, 2015. Collection method: clinical testing. Allele origin: germline.

Color Diagnostics, LLC DBA Color Health
Classification: Uncertain significance for Cardiomyopathy. Last evaluated: 2022-07-06. Review status: criteria provided, single submitter. Criteria: ACMG Guidelines, 2015. Collection method: clinical testing. Allele origin: germline.
Comment: This variant causes a C to G nucleotide substitution at the -11 position of intron 35 of the RYR2 gene. To our knowledge, functional studies have not been reported for this variant. This variant has not been reported in individuals affected with cardiovascular disorders in the literature. This variant has been identified in 1/213648 chromosomes in the general population by the Genome Aggregation Database (gnomAD). The available evidence is insufficient to determine the role of this variant in disease conclusively. Therefore, this variant is classified as a Variant of Uncertain Significance.

NM_001035.3(RYR2):c.4684-11C>G

Gene: RYR2 (ryanodine receptor 2; plus strand). Cytogenetic location: 1q43.
Variant type: single nucleotide variant.
Coding change: c.4684-11C>G on transcript NM_001035.3 (MANE Select); 11 bases into the intron before coding-DNA position 4684, C replaced by G.
Molecular consequence: intron variant.
Genome position (GRCh38, 1-based): chr1:237,610,751, C>G. VCF-style: chr1-237610751-C-G. GRCh37 (hg19) VCF-style: chr1-237774051-C-G.
Identifiers: ClinVar variation 2774299 (VCV002774299.3), dbSNP rs7546045, ClinGen allele CA086694.